The following is an entry in ClinVar:

NM_000238.4(KCNH2):c.2698_2748dup (p.Glu900_Gly916dup)

Gene: KCNH2 (potassium voltage-gated channel subfamily H member 2; minus strand). Cytogenetic location: 7q36.1.
Variant type: Duplication.
Coding change: c.2698_2748dup on transcript NM_000238.4 (MANE Select); coding-DNA positions 2698 to 2748, 51 bases duplicated.
Protein change: p.Glu900_Gly916dup.
Molecular consequence: inframe insertion.
Genome position (GRCh38, 1-based): chr7:150,947,823-150,947,873, 51 bases duplicated. GRCh37 (hg19): chr7:150,644,912-150,644,962.
Other names: c.1678_1728dup, p.Glu560_Gly576dup (NM_172057.3); c.2698_2748dup (NM_000238.2).
Identifiers: ClinVar variation 1016958 (VCV001016958.10), dbSNP rs1800972122, ClinGen allele CA1752430410.

ClinVar aggregate classification (germline): Uncertain significance. Review status: criteria provided, multiple submitters, no conflicts (2 of 4 stars). 2 submissions from 2 submitters: Uncertain significance (2). Last evaluated 2025-02-03.

Conditions:
Long QT syndrome (LQTS). Identifiers: MedGen C0023976, MeSH D008133, MONDO:0002442. Disease mechanism: loss of function. Inheritance: Various modes of inheritance.

Submissions (2):

GeneDx
Classification: Uncertain significance. Last evaluated: 2025-02-03. Review status: criteria provided, single submitter. Criteria: GeneDx Variant Classification Process June 2021. Collection method: clinical testing. Allele origin: germline.
Comment: Has not been previously published as pathogenic or benign to our knowledge; Not observed at significant frequency in large population cohorts (gnomAD); In-frame insertion of 17 amino acids in a non-repeat region

Labcorp Genetics (formerly Invitae), Labcorp
Classification: Uncertain significance for Long QT syndrome. Last evaluated: 2023-09-15. Review status: criteria provided, single submitter. Criteria: Invitae Variant Classification Sherloc (09022015). Collection method: clinical testing. Allele origin: germline.
Comment: In summary, the available evidence is currently insufficient to determine the role of this variant in disease. Therefore, it has been classified as a Variant of Uncertain Significance. Experimental studies and prediction algorithms are not available or were not evaluated, and the functional significance of this variant is currently unknown. ClinVar contains an entry for this variant (Variation ID: 1016958). This variant has not been reported in the literature in individuals affected with KCNH2-related conditions. This variant is not present in population databases (gnomAD no frequency). This variant, c.2698_2748dup, results in the insertion of 17 amino acid(s) of the KCNH2 protein (p.Glu900_Gly916dup), but otherwise preserves the integrity of the reading frame.